The following is an entry in ClinVar:

NM_004928.3(CFAP410):c.138G>A (p.Thr46=)

Gene: CFAP410 (cilia and flagella associated protein 410; minus strand). Cytogenetic location: 21q22.3.
Variant type: single nucleotide variant.
Coding change: c.138G>A on transcript NM_004928.3 (MANE Select); coding-DNA position 138, G replaced by A.
Protein change: p.Thr46=; no amino-acid change (threonine 46 retained).
Molecular consequence: synonymous variant.
Genome position (GRCh38, 1-based): chr21:44,335,763, C>T on the plus strand (G>A on the coding strand, the complement: CFAP410 is on the minus strand). VCF-style: chr21-44335763-C-T. GRCh37 (hg19) VCF-style: chr21-45755646-C-T.
Other names: c.138G>A, p.Thr46= (NM_001271440.2, NM_001271441.2); c.24G>A, p.Thr8= (NM_001271442.1).
Identifiers: ClinVar variation 789676 (VCV000789676.14), dbSNP rs146104157, ClinGen allele CA10053830.

ClinVar aggregate classification (germline): Benign/Likely benign. Review status: criteria provided, multiple submitters, no conflicts (2 of 4 stars). 3 submissions from 3 submitters: Benign (1); Likely benign (1). 1 of the submissions does not count toward it. Last evaluated 2025-12-28.

Conditions:
CFAP410-related disorder. Also called: CFAP410-related condition.

Allele frequency attached by ClinVar (database versions not stated): gnomAD exomes 0.00029 and 0.00068; ExAC 0.00125; gnomAD 0.00255 and 0.00276; 1000 Genomes Project 0.00260; 1000 Genomes Project 30x 0.00265; ESP Exome Variant Server 0.00277; TOPMed 0.00281.
gnomAD v4.1: 823 of 1,589,600 alleles (0.052%); highest among the groups gnomAD compares: African/African-American, 0.93%; 4 homozygotes.

Submissions (3):

Labcorp Genetics (formerly Invitae), Labcorp
Classification: Benign. Last evaluated: 2025-12-28. Review status: criteria provided, single submitter. Criteria: Invitae Variant Classification Sherloc (09022015). Collection method: clinical testing. Allele origin: germline.

Blueprint Genetics
Classification: Likely benign. Last evaluated: 2024-10-11. Review status: criteria provided, single submitter. Criteria: ACMG Guidelines, 2015. Collection method: clinical testing. Allele origin: germline.

PreventionGenetics, part of Exact Sciences
Classification: Benign for CFAP410-related condition. Last evaluated: 2019-07-30. Review status: no assertion criteria provided. Collection method: clinical testing. Allele origin: germline. Not counted in ClinVar's aggregate classification.
Comment: This variant is classified as benign based on ACMG/AMP sequence variant interpretation guidelines (Richards et al. 2015 PMID: 25741868, with internal and published modifications).